The following continues an entry in ClinVar:

NM_007294.4(BRCA1):c.5359_5363delinsAGTGA (p.Cys1787_Gly1788delinsSerAsp)

Gene: BRCA1. ClinVar aggregate classification (germline): Pathogenic. Pathogenic (1).

Submissions 5 to 7 of 7:

Women's Health and Genetics/Laboratory Corporation of America, LabCorp
Classification: Pathogenic for Hereditary breast ovarian cancer syndrome. Last evaluated: 2022-09-21. Review status: criteria provided, single submitter. Criteria: LabCorp Variant Classification Summary - May 2015. Collection method: clinical testing. Allele origin: germline. Not counted in ClinVar's aggregate classification.
Comment: Variant summary: BRCA1 c.5359_5363delinsAGTGA (p.Cys1787_Gly1788delinsSerAsp) results in an in-frame deletion-insertion in the BRCT domain of the encoded protein sequence. The variant was absent in 251442 control chromosomes. c.5359_5363delinsAGTGA has been reported in the literature in multiple individuals affected with Hereditary Breast And Ovarian Cancer Syndrome, predominantly of Hispanic origin (examples: Dean_2015, Weitzel_2013, Nahleh_2015). These data indicate that the variant is very likely to be associated with disease. A functional study (Woods_2016), assessed the two missense changes together, and observed the variant to significantly affect transcription activity. Six clinical diagnostic laboratories have submitted clinical-significance assessments for this variant to ClinVar after 2014 without evidence for independent evaluation. All laboratories classified the variant as pathogenic. Based on the evidence outlined above, the variant was classified as pathogenic.

GeneDx
Classification: Pathogenic. Last evaluated: 2017-05-31. Review status: criteria provided, single submitter. Criteria: GeneDx Variant Classification (06012015). Collection method: clinical testing. Allele origin: germline. Affected: yes. Not counted in ClinVar's aggregate classification.
Comment: This pathogenic variant is denoted BRCA1 c.5359_5363delTGTGGinsAGTGA at the cDNA level and p.Cys1787_Gly1788delinsSerAsp (C1787_G1788delinsSD) at the protein level. The normal sequence, with the bases that are deleted and inserted in brackets, is GCTC[delTGTGG][insAGTGA]TGCT. The deletion and insertion results in the change of a Cysteine to a Serine and a Glycine to an Aspartic Acid, creating two adjacent missense changes: Cys1787Ser and Gly1788Asp. This combined variant has been observed in individuals reporting a personal or family history of breast and/or ovarian cancer and noted as a recurring variant in individuals whose ancestors originated from Mexico (Weitzel 2013, Nahleh 2014, Dean 2015). BRCA1 c.5359_5363delTGTGGinsAGTGA was not observed in large population cohorts (NHLBI Exome Sequencing Project, The 1000 Genomes Consortium 2015, Lek 2016). Since Cysteine and Serine as well as Glycine and Aspartic Acid differ in polarity, charge, size or other properties, both Cys1787Ser and Gly1788Asp are considered non-conservative amino acid substitutions. This variant occurs at a position that is conserved through mammals and is located within the BRCT 2 domain and a region known to interact with multiple other proteins (Paul 2014, UniProt). Based on available data, we consider this combined variant to be pathogenic.

Quest Diagnostics Nichols Institute San Juan Capistrano
Classification: Pathogenic for Breast-ovarian cancer, familial, susceptibility to, 1. Last evaluated: 2016-01-30. Review status: criteria provided, single submitter. Criteria: Quest Diagnostics criteria. Collection method: clinical testing. Allele origin: germline. Inheritance: Autosomal dominant inheritance. Not counted in ClinVar's aggregate classification.

Literature cited by the submitters: PubMed 15290653 (cited by 3 submitters); PubMed 28781887 (cited by 4 submitters); PubMed 17305420 (cited by Ambry Genetics and Labcorp Genetics (formerly Invitae), Labcorp); PubMed 17308087 (cited by 3 submitters); PubMed 23233716 (cited by 5 submitters); PubMed 25371446 (cited by Ambry Genetics); PubMed 25628955 (cited by 3 submitters); PubMed 26543556 (cited by 4 submitters); PubMed 26681312 (cited by Ambry Genetics and Women's Health and Genetics/Laboratory Corporation of America, LabCorp); PubMed 28283652 (cited by Ambry Genetics); PubMed 28959512 (cited by Ambry Genetics and Color Diagnostics, LLC DBA Color Health); PubMed 30209399 (cited by Ambry Genetics); PubMed 31343793 (cited by Ambry Genetics); PubMed 16030099 (cited by Labcorp Genetics (formerly Invitae), Labcorp and Color Diagnostics, LLC DBA Color Health); PubMed 20378548 (cited by Labcorp Genetics (formerly Invitae), Labcorp and Women's Health and Genetics/Laboratory Corporation of America, LabCorp); PubMed 20516115 (cited by Labcorp Genetics (formerly Invitae), Labcorp and Women's Health and Genetics/Laboratory Corporation of America, LabCorp); PubMed 25748678 (cited by Labcorp Genetics (formerly Invitae), Labcorp); PubMed 11573086 (cited by Labcorp Genetics (formerly Invitae), Labcorp); PubMed 14576433 (cited by Labcorp Genetics (formerly Invitae), Labcorp); PubMed 15133503 (cited by Labcorp Genetics (formerly Invitae), Labcorp); PubMed 25652403 (cited by Labcorp Genetics (formerly Invitae), Labcorp); PubMed 9796975 (cited by Labcorp Genetics (formerly Invitae), Labcorp); PubMed 14534301 (cited by Labcorp Genetics (formerly Invitae), Labcorp); PubMed 15689452 (cited by Labcorp Genetics (formerly Invitae), Labcorp); PubMed 16267036 (cited by Labcorp Genetics (formerly Invitae), Labcorp); PubMed 18512148 (cited by Labcorp Genetics (formerly Invitae), Labcorp); PubMed 21614564 (cited by Labcorp Genetics (formerly Invitae), Labcorp); PubMed 26689913 (cited by Labcorp Genetics (formerly Invitae), Labcorp); PubMed 18284688 (cited by Color Diagnostics, LLC DBA Color Health); PubMed 30765603 (cited by Color Diagnostics, LLC DBA Color Health); PubMed 26295337 (cited by Quest Diagnostics Nichols Institute San Juan Capistrano).